The following is an entry in ClinVar:

NM_018180.3(DHX32):c.1585G>T (p.Ala529Ser)

Genes: BCCIP (BRCA2 and CDKN1A interacting protein; plus strand), DHX32 (DEAH-box helicase 32 (putative); minus strand). Cytogenetic location: 10q26.2.
Variant type: single nucleotide variant.
Coding change: c.1585G>T on transcript NM_018180.3 (MANE Select); coding-DNA position 1585, G replaced by T.
Protein change: p.Ala529Ser; replaces alanine 529 with serine.
Molecular consequence: missense variant. On other transcripts: intron variant (2).
Genome position (GRCh38, 1-based): chr10:125,840,955, C>A on the plus strand (G>T on the coding strand, the complement: DHX32 is on the minus strand). VCF-style: chr10-125840955-C-A. GRCh37 (hg19) VCF-style: chr10-127529524-C-A.
Other names: c.775-300C>A (NM_016567.4, NM_078469.3); short protein forms A529S.
Identifiers: ClinVar variation 2421540 (VCV002421540.43), dbSNP rs78840782, ClinGen allele CA378673583.

ClinVar aggregate classification (germline): Uncertain significance. Review status: criteria provided, multiple submitters, no conflicts (2 of 4 stars). 2 submissions from 2 submitters: Uncertain significance (2). Last evaluated 2025-11-16.

gnomAD v4.1: 9 of 1,611,766 alleles (0.00056%); highest among the groups gnomAD compares: African/African-American, 0.0093%; no homozygotes.

Submissions (2):

Labcorp Genetics (formerly Invitae), Labcorp
Classification: Uncertain significance. Last evaluated: 2025-11-16. Review status: criteria provided, single submitter. Criteria: Invitae Variant Classification Sherloc (09022015). Collection method: clinical testing. Allele origin: germline.
Comment: This sequence change replaces alanine, which is neutral and non-polar, with serine, which is neutral and polar, at codon 529 of the DHX32 protein (p.Ala529Ser). This variant is present in population databases (no rsID available, gnomAD 0.008%). This variant has not been reported in the literature in individuals affected with DHX32-related conditions. ClinVar contains an entry for this variant (Variation ID: 2421540). An algorithm developed to predict the effect of missense changes on protein structure and function outputs the following: PolyPhen-2: "Benign". The serine amino acid residue is found in multiple mammalian species, which suggests that this missense change does not adversely affect protein function. In summary, the available evidence is currently insufficient to determine the role of this variant in disease. Therefore, it has been classified as a Variant of Uncertain Significance.

Ambry Genetics
Classification: Uncertain significance. Last evaluated: 2025-01-19. Review status: criteria provided, single submitter. Criteria: Ambry Variant Classification Scheme 2023. Collection method: clinical testing. Allele origin: germline.